The following is an entry in ClinVar:

ClinVar aggregate classification (germline): Uncertain significance (1 of 4 stars; one submission).

Conditions:
Osteogenesis imperfecta type 8 (OI8). Identifiers: MedGen C1970458, MONDO:0012581, OMIM 610915.

Submission:

Labcorp Genetics (formerly Invitae), Labcorp
Classification: Uncertain significance for Osteogenesis imperfecta type 8. Last evaluated: 2020-01-30. Review status: criteria provided, single submitter. Criteria: Invitae Variant Classification Sherloc (09022015). Collection method: clinical testing. Allele origin: germline.
Comment: In summary, the available evidence is currently insufficient to determine the role of this variant in disease. Therefore, it has been classified as a Variant of Uncertain Significance. Algorithms developed to predict the effect of missense changes on protein structure and function (SIFT, PolyPhen-2, Align-GVGD) all suggest that this variant is likely to be tolerated, but these predictions have not been confirmed by published functional studies and their clinical significance is uncertain. This variant has not been reported in the literature in individuals with P3H1-related disease. This variant is not present in population databases (ExAC no frequency). This sequence change replaces proline with serine at codon 35 of the P3H1 protein (p.Pro35Ser). The proline residue is moderately conserved and there is a moderate physicochemical difference between proline and serine.

NM_022356.4(P3H1):c.103C>T (p.Pro35Ser)

Gene: P3H1 (prolyl 3-hydroxylase 1; minus strand). Cytogenetic location: 1p34.2.
Variant type: single nucleotide variant.
Coding change: c.103C>T on transcript NM_022356.4 (MANE Select); coding-DNA position 103, C replaced by T.
Protein change: p.Pro35Ser; replaces proline 35 with serine.
Molecular consequence: missense variant.
Genome position (GRCh38, 1-based): chr1:42,766,869, G>A on the plus strand (C>T on the coding strand, the complement: P3H1 is on the minus strand). VCF-style: chr1-42766869-G-A. GRCh37 (hg19) VCF-style: chr1-43232540-G-A.
Other names: c.103C>T, p.Pro35Ser (NM_001146289.2, NM_001243246.2); short protein forms P35S.
Identifiers: ClinVar variation 1052535 (VCV001052535.7), dbSNP rs2124176478, ClinGen allele CA339964121.